The following is an entry in ClinVar:

ClinVar aggregate classification (germline): Uncertain significance. Review status: criteria provided, multiple submitters, no conflicts (2 of 4 stars). 5 submissions from 5 submitters: Uncertain significance (5). Last evaluated 2026-05-22.

Conditions:
Hereditary sensory neuropathy-deafness-dementia syndrome. Also called: HSN IE; NEUROPATHY, HEREDITARY SENSORY, WITH HEARING LOSS AND DEMENTIA; Hereditary Sensory and Autonomic Neuropathy Type 1E (HSAN1E); Hereditary sensory neuropathy type IE. Identifiers: Orphanet 456318, MedGen C3279885, MONDO:0013584, OMIM 614116.
Inborn genetic diseases. Identifiers: MedGen C0950123, MeSH D030342.
DNMT1-related disorder. Also called: DNMT1-related condition. Identifiers: MedGen CN381527.
Autosomal dominant cerebellar ataxia, deafness and narcolepsy. Also called: Autosomal Dominant Cerebellar Ataxia, Deafness, and Narcolepsy (ADCA-DN). Identifiers: Orphanet 314404, MedGen C4302668, MONDO:0011397, OMIM 604121.

Allele frequency attached by ClinVar (database versions not stated): gnomAD exomes 0.00001 and 0.00002; TOPMed 0.00001; ExAC 0.00002; gnomAD 0.00003.
gnomAD v4.1: 21 of 1,614,008 alleles (0.0013%); highest among the groups gnomAD compares: Non-Finnish European, 0.0016%; no homozygotes.

Submissions (5):

PreventionGenetics, part of Exact Sciences
Classification: Uncertain significance for DNMT1-related condition. Last evaluated: 2026-05-22. Review status: criteria provided, single submitter. Criteria: ACMG Guidelines, 2015. Collection method: clinical testing. Allele origin: germline.
Comment: The DNMT1 c.857T>C variant is predicted to result in the amino acid substitution p.Val286Ala. To our knowledge, this variant has not been reported in the literature. This variant is reported in 0.0046% of alleles in individuals of European (Non-Finnish) descent in gnomAD. At this time, the clinical significance of this variant is uncertain due to the absence of conclusive functional and genetic evidence.

Labcorp Genetics (formerly Invitae), Labcorp
Classification: Uncertain significance for Hereditary sensory neuropathy-deafness-dementia syndrome. Last evaluated: 2025-03-23. Review status: criteria provided, single submitter. Criteria: Invitae Variant Classification Sherloc (09022015). Collection method: clinical testing. Allele origin: germline.
Comment: This sequence change replaces valine, which is neutral and non-polar, with alanine, which is neutral and non-polar, at codon 286 of the DNMT1 protein (p.Val286Ala). This variant is present in population databases (rs766504703, gnomAD 0.004%). This variant has not been reported in the literature in individuals affected with DNMT1-related conditions. ClinVar contains an entry for this variant (Variation ID: 573027). An algorithm developed to predict the effect of missense changes on protein structure and function outputs the following: PolyPhen-2: "Benign". The alanine amino acid residue is found in multiple mammalian species, which suggests that this missense change does not adversely affect protein function. In summary, the available evidence is currently insufficient to determine the role of this variant in disease. Therefore, it has been classified as a Variant of Uncertain Significance.

Ambry Genetics
Classification: Uncertain significance for Inborn genetic diseases. Last evaluated: 2022-01-05. Review status: criteria provided, single submitter. Criteria: Ambry Variant Classification Scheme 2023. Collection method: clinical testing. Allele origin: germline.
Comment: The p.V270A variant (also known as c.809T>C), located in coding exon 10 of the DNMT1 gene, results from a T to C substitution at nucleotide position 809. The valine at codon 270 is replaced by alanine, an amino acid with similar properties. This amino acid position is poorly conserved in available vertebrate species. In addition, this alteration is predicted to be tolerated by in silico analysis. Since supporting evidence is limited at this time, the clinical significance of this alteration remains unclear.

Fulgent Genetics
Classification: Uncertain significance for Autosomal dominant cerebellar ataxia, deafness and narcolepsy; Hereditary sensory neuropathy-deafness-dementia syndrome. Last evaluated: 2021-07-21. Review status: criteria provided, single submitter. Criteria: ACMG Guidelines, 2015. Collection method: clinical testing. Allele origin: unknown.

Mayo Clinic Laboratories, Mayo Clinic
Classification: Uncertain significance. Last evaluated: 2019-10-14. Review status: criteria provided, single submitter. Criteria: ACMG Guidelines, 2015. Collection method: clinical testing. Allele origin: germline.

NM_001130823.3(DNMT1):c.857T>C (p.Val286Ala)

Gene: DNMT1 (DNA methyltransferase 1; minus strand). Cytogenetic location: 19p13.2.
Variant type: single nucleotide variant.
Coding change: c.857T>C on transcript NM_001130823.3 (MANE Select); coding-DNA position 857, T replaced by C.
Protein change: p.Val286Ala; replaces valine 286 with alanine.
Molecular consequence: missense variant.
Genome position (GRCh38, 1-based): chr19:10,166,632, A>G on the plus strand (T>C on the coding strand, the complement: DNMT1 is on the minus strand). VCF-style: chr19-10166632-A-G. GRCh37 (hg19) VCF-style: chr19-10277308-A-G.
Other names: c.857T>C (LRG_362t1, NM_001130823.2); c.809T>C, p.Val270Ala (NM_001318730.2, NM_001379.4); c.494T>C, p.Val165Ala (NM_001318731.2); short protein forms V286A, V165A, V270A.
Identifiers: ClinVar variation 573027 (VCV000573027.19), dbSNP rs766504703, ClinGen allele CA9188559.